The following is an entry in ClinVar:

ClinVar aggregate classification (germline): Likely benign (0 of 4 stars; one submission).

Conditions:
KIDINS220-related disorder. Also called: KIDINS220-related condition.

gnomAD v4.1: 1 of 1,614,198 alleles (0.000062%); no homozygotes.

Submission:

PreventionGenetics, part of Exact Sciences
Classification: Likely benign for KIDINS220-related condition. Last evaluated: 2023-09-05. Review status: no assertion criteria provided. Collection method: clinical testing. Allele origin: germline.
Comment: This variant is classified as likely benign based on ACMG/AMP sequence variant interpretation guidelines (Richards et al. 2015 PMID: 25741868, with internal and published modifications).

NM_020738.4(KIDINS220):c.3309T>C (p.Ser1103=)

Gene: KIDINS220 (kinase D interacting substrate 220; minus strand). Cytogenetic location: 2p25.1.
Variant type: single nucleotide variant.
Coding change: c.3309T>C on transcript NM_020738.4 (MANE Select); coding-DNA position 3309, T replaced by C.
Protein change: p.Ser1103=; no amino-acid change (serine 1103 retained).
Molecular consequence: synonymous variant. On other transcripts: non-coding transcript variant (2).
Genome position (GRCh38, 1-based): chr2:8,750,217, A>G on the plus strand (T>C on the coding strand, the complement: KIDINS220 is on the minus strand). VCF-style: chr2-8750217-A-G. GRCh37 (hg19) VCF-style: chr2-8890347-A-G.
Other names: c.3312T>C, p.Ser1104= (NM_001348729.2, NM_001348731.2, NM_001348734.2 and 2 more transcripts); c.3309T>C, p.Ser1103= (NM_001348732.2, NM_001348735.2, NM_001348738.2 and 3 more transcripts); c.3183T>C, p.Ser1061= (NM_001348736.2).
Identifiers: ClinVar variation 3349815 (VCV003349815.1).